The following is an entry in ClinVar:

ClinVar aggregate classification (germline): Likely benign (1 of 4 stars; one submission).

Conditions:
Bardet-Biedl syndrome 15 (BBS15). Identifiers: Orphanet 110, MedGen C3150127, MONDO:0014443, OMIM 615992.

Allele frequency attached by ClinVar (database versions not stated): TOPMed 0.00040; 1000 Genomes Project 30x 0.00156; 1000 Genomes Project 0.00200; gnomAD 0.00414 and 0.00436.
gnomAD v4.1: 2,872 of 694,572 alleles (0.41%); highest among the groups gnomAD compares: Non-Finnish European, 0.089%; 56 homozygotes.

Submission:

Illumina Laboratory Services, Illumina
Classification: Likely benign for Bardet-Biedl syndrome 15. Last evaluated: 2018-01-13. Review status: criteria provided, single submitter. Criteria: ICSL Variant Classification Criteria 13 December 2019. Collection method: clinical testing. Allele origin: germline.
Comment: This variant was observed in the ICSL laboratory as part of a predisposition screen in an ostensibly healthy population. It had not been previously curated by ICSL or reported in the Human Gene Mutation Database (HGMD: prior to June 1st, 2018), and was therefore a candidate for classification through an automated scoring system. Utilizing variant allele frequency, disease prevalence and penetrance estimates, and inheritance mode, an automated score was calculated to assess if this variant is too frequent to cause the disease. Based on the score and internal cut-off values, a variant classified as likely benign is not then subjected to further curation. The score for this variant resulted in a classification of likely benign for this disease.

NM_015910.7(WDPCP):c.-188G>C

Gene: WDPCP (WD repeat containing planar cell polarity effector; minus strand). Cytogenetic location: 2p15.
Variant type: single nucleotide variant.
Coding change: c.-188G>C on transcript NM_015910.7 (MANE Select); 188 bases upstream of the start codon, G replaced by C.
Molecular consequence: 5 prime UTR variant. On other transcripts: non-coding transcript variant (2).
Genome position (GRCh38, 1-based): chr2:63,588,459, C>G on the plus strand (G>C on the coding strand, the complement: WDPCP is on the minus strand). VCF-style: chr2-63588459-C-G. GRCh37 (hg19) VCF-style: chr2-63815593-C-G.
Other names: c.-512G>C (NM_001354044.2); c.-188G>C (NM_001354045.2).
Identifiers: ClinVar variation 336775 (VCV000336775.5), dbSNP rs187916591, ClinGen allele CA10613795.